The following is an entry in ClinVar:

NM_000059.4(BRCA2):c.186del (p.Phe62fs)

Gene: BRCA2 (BRCA2 DNA repair associated; plus strand). Cytogenetic location: 13q13.1.
Variant type: Deletion.
Coding change: c.186del on transcript NM_000059.4 (MANE Select); coding-DNA position 186, one base deleted (T; older notation c.186delT).
Protein change: p.Phe62fs; shifts the reading frame from phenylalanine 62.
Molecular consequence: frameshift variant.
Genome position (GRCh38, 1-based): chr13:32,319,195, T deleted; the last of 3 consecutive T bases (chr13:32,319,193-32,319,195); deleting any one gives the same sequence. VCF-style (leftmost placement, unchanged base first): chr13-32319192-AT-A. GRCh37 (hg19) VCF-style: chr13-32893329-AT-A.
Other names: 414delT; c.186delT (NM_000059.3); short protein forms F62fs.
Identifiers: ClinVar variation 91761 (VCV000091761.2), dbSNP rs398122733, ClinGen allele CA013668.

ClinVar aggregate classification (germline): Pathogenic. Review status: reviewed by expert panel (3 of 4 stars). 2 submissions from 2 submitters: Pathogenic (1). 1 of the submissions does not count toward it. Last evaluated 2016-09-08.

Conditions:
Breast-ovarian cancer, familial, susceptibility to, 2 (BROVCA2). Also called: BRCA2 Hereditary Breast and Ovarian Cancer. Identifiers: Orphanet 145, MedGen C2675520, MONDO:0012933, OMIM 612555. Disease mechanism: loss of function.

Submissions (2):

Evidence-based Network for the Interpretation of Germline Mutant Alleles (ENIGMA)
Classification: Pathogenic for Breast-ovarian cancer, familial, susceptibility to, 2. Last evaluated: 2016-09-08. Review status: reviewed by expert panel. Criteria: ENIGMA BRCA1/2 Classification Criteria (2015). Collection method: curation. Allele origin: germline.
Comment: Variant allele predicted to encode a truncated non-functional protein.

Sharing Clinical Reports Project (SCRP)
Classification: Pathogenic for Breast-ovarian cancer, familial 2. Last evaluated: 2008-05-20. Review status: no assertion criteria provided. Collection method: clinical testing. Allele origin: germline. Not counted in ClinVar's aggregate classification.